The following is an entry in ClinVar:

NM_152296.5(ATP1A3):c.2303A>G (p.Tyr768Cys)

Gene: ATP1A3 (ATPase Na+/K+ transporting subunit alpha 3; minus strand). Cytogenetic location: 19q13.2.
Variant type: single nucleotide variant.
Coding change: c.2303A>G on transcript NM_152296.5 (MANE Select); coding-DNA position 2303, A replaced by G.
Protein change: p.Tyr768Cys; replaces tyrosine 768 with cysteine.
Molecular consequence: missense variant.
Genome position (GRCh38, 1-based): chr19:41,970,503, T>C on the plus strand (A>G on the coding strand, the complement: ATP1A3 is on the minus strand). VCF-style: chr19-41970503-T-C. GRCh37 (hg19) VCF-style: chr19-42474655-T-C.
Other names: c.2336A>G, p.Tyr779Cys (NM_001256213.2); c.2342A>G, p.Tyr781Cys (NM_001256214.2); short protein forms Y768C, Y779C, Y781C.
Identifiers: ClinVar variation 643799 (VCV000643799.8), dbSNP rs1599706613, ClinGen allele CA406039653.

ClinVar aggregate classification (germline): Likely pathogenic (1 of 4 stars; one submission).

Conditions:
Dystonia 12 (DYT12). Also called: DYT-ATP1A3; Rapid-Onset Dystonia-Parkinsonism (RDP). Identifiers: Orphanet 71517, MedGen C1868681, MONDO:0007496, OMIM 128235.

Submission:

Labcorp Genetics (formerly Invitae), Labcorp
Classification: Likely pathogenic for Dystonia 12. Last evaluated: 2023-12-31. Review status: criteria provided, single submitter. Criteria: Invitae Variant Classification Sherloc (09022015). Collection method: clinical testing. Allele origin: germline.
Comment: This sequence change replaces tyrosine, which is neutral and polar, with cysteine, which is neutral and slightly polar, at codon 768 of the ATP1A3 protein (p.Tyr768Cys). This variant is not present in population databases (gnomAD no frequency). This missense change has been observed in individuals with alternating hemiplegia of childhood (PMID: 25996915). ClinVar contains an entry for this variant (Variation ID: 643799). Advanced modeling of protein sequence and biophysical properties (such as structural, functional, and spatial information, amino acid conservation, physicochemical variation, residue mobility, and thermodynamic stability) performed at Invitae indicates that this missense variant is expected to disrupt ATP1A3 protein function with a positive predictive value of 95%. In summary, the currently available evidence indicates that the variant is pathogenic, but additional data are needed to prove that conclusively. Therefore, this variant has been classified as Likely Pathogenic.

Literature cited by the submitters: PubMed 25996915.